The following is an entry in ClinVar:

NM_001348768.2(HECW2):c.2640T>C (p.Asn880=)

Gene: HECW2 (HECT, C2 and WW domain containing E3 ubiquitin protein ligase 2; minus strand). Cytogenetic location: 2q32.3.
Variant type: single nucleotide variant.
Coding change: c.2640T>C on transcript NM_001348768.2 (MANE Select); coding-DNA position 2640, T replaced by C.
Protein change: p.Asn880=; no amino-acid change (asparagine 880 retained).
Molecular consequence: synonymous variant.
Genome position (GRCh38, 1-based): chr2:196,307,179, A>G on the plus strand (T>C on the coding strand, the complement: HECW2 is on the minus strand). VCF-style: chr2-196307179-A-G. GRCh37 (hg19) VCF-style: chr2-197171903-A-G.
Other names: c.1572T>C, p.Asn524= (NM_001304840.3); c.2640T>C, p.Asn880= (NM_020760.4).
Identifiers: ClinVar variation 3389698 (VCV003389698.14).

ClinVar aggregate classification (germline): Likely benign (1 of 4 stars; one submission).

gnomAD v4.1: 3 of 1,613,910 alleles (0.00019%); highest among the groups gnomAD compares: Non-Finnish European, 0.00025%; no homozygotes.

Submission:

CeGaT Center for Human Genetics Tuebingen
Classification: Likely benign. Last evaluated: 2024-09-01. Review status: criteria provided, single submitter. Criteria: CeGaT Center For Human Genetics Tuebingen Variant Classification Criteria Version 2. Collection method: clinical testing. Allele origin: germline. Affected: yes. Observed: 1 variant allele.
Comment: HECW2: BP4, BP7